The following is an entry in ClinVar:

NM_024407.5(NDUFS7):c.54-5G>A

Gene: NDUFS7 (NADH:ubiquinone oxidoreductase core subunit S7; plus strand). Cytogenetic location: 19p13.3.
Variant type: single nucleotide variant.
Coding change: c.54-5G>A on transcript NM_024407.5 (MANE Select); 5 bases into the intron before coding-DNA position 54, G replaced by A.
Molecular consequence: intron variant.
Genome position (GRCh38, 1-based): chr19:1,388,520, G>A. VCF-style: chr19-1388520-G-A. GRCh37 (hg19) VCF-style: chr19-1388519-G-A.
Other names: c.54-5G>A (NM_001363602.2).
Identifiers: ClinVar variation 380673 (VCV000380673.9), dbSNP rs775718887, ClinGen allele CA9043054.
Genomic context (GRCh38, chr19:1,388,520, plus strand): 5'-GAGTGCGGCTGGGGGAGCTGGAGGGGCCTGGGACAGCCACTGACCCGCGTTCCATCTCCC[G>A]GCAGCTCCAGCGTGGGCCCGGCTGTGCAGGCACGAGGTGTCCATCAGAGCGTGGCCACCG-3'

ClinVar aggregate classification (germline): Uncertain significance. Review status: criteria provided, multiple submitters, no conflicts (2 of 4 stars). 4 submissions from 4 submitters: Uncertain significance (3). 1 of the submissions does not count toward it. Last evaluated 2026-08-18.

Conditions:
Inborn genetic diseases. Identifiers: MedGen C0950123, MeSH D030342.

Allele frequency attached by ClinVar (database versions not stated): gnomAD exomes 0.00001 and 0.00004; gnomAD 0.00001; ExAC 0.00004; TOPMed 0.00002.
gnomAD v4.1: 19 of 1,610,832 alleles (0.0012%); highest among the groups gnomAD compares: Admixed American, 0.017%; no homozygotes.

Submissions (4):

GeneDx
Classification: Uncertain significance. Last evaluated: 2026-08-18. Review status: criteria provided, single submitter. Criteria: GeneDx Variant Classification Process June 2021. Collection method: clinical testing. Allele origin: germline.
Comment: Has not been previously published as pathogenic or benign to our knowledge; In silico analysis supports a deleterious effect on splicing

Labcorp Genetics (formerly Invitae), Labcorp
Classification: Uncertain significance. Last evaluated: 2025-12-09. Review status: criteria provided, single submitter. Criteria: Invitae Variant Classification Sherloc (09022015). Collection method: clinical testing. Allele origin: germline.
Comment: This sequence change falls in intron 2 of the NDUFS7 gene. It does not directly change the encoded amino acid sequence of the NDUFS7 protein. This variant is present in population databases (rs775718887, gnomAD 0.02%). This variant has not been reported in the literature in individuals affected with NDUFS7-related conditions. ClinVar contains an entry for this variant (Variation ID: 380673). Algorithms developed to predict the effect of sequence changes on RNA splicing suggest that this variant may create or strengthen a splice site. In summary, the available evidence is currently insufficient to determine the role of this variant in disease. Therefore, it has been classified as a Variant of Uncertain Significance.

Ambry Genetics
Classification: Uncertain significance for Inborn genetic diseases. Last evaluated: 2024-07-08. Review status: criteria provided, single submitter. Criteria: Ambry Variant Classification Scheme 2023. Collection method: clinical testing. Allele origin: germline.
Comment: The c.54-5G>A intronic alteration consists of a G to A substitution 5 nucleotides before coding exon 3 in the NDUFS7 gene. Based on insufficient or conflicting evidence, the clinical significance of this alteration remains unclear.

Mayo Clinic Laboratories, Mayo Clinic
Classification: Uncertain significance. Last evaluated: 2016-03-04. Review status: no assertion criteria provided. Collection method: clinical testing. Allele origin: unknown. Not counted in ClinVar's aggregate classification.